The following is an entry in ClinVar:

NM_001267550.2(TTN):c.29448AGA[2] (p.Glu9820del)

Gene: TTN (titin; minus strand). Cytogenetic location: 2q31.2.
Variant type: Microsatellite.
Coding change: c.29448AGA[2] on transcript NM_001267550.2 (MANE Select); two copies in a row of the 3-base unit AGA starting at c.29448; the reference has three copies in a row; one copy, 3 bases deleted.
Protein change: p.Glu9820del; deletes glutamic acid 9820.
Molecular consequence: inframe deletion. On other transcripts: intron variant (3).
Genome position (GRCh38, 1-based): chr2:178,705,322-178,705,324, TCT deleted on the plus strand (AGA on the coding strand, the reverse complement: TTN is on the minus strand); deleting any 3 consecutive bases within chr2:178,705,322-178,705,330 gives the same sequence; the position shown is the placement nearest the transcript's 3' end. VCF-style (leftmost placement, unchanged base first): chr2-178705321-CTCT-C. GRCh37 (hg19) VCF-style: chr2-179570048-CTCT-C.
Other names: c.28503_28505del (NM_001256850.1); c.29454_29456delAGA (NM_001267550.2); c.25722_25724delAGA (NM_133378.4); c.28503_28505delAGA (NM_001256850.1); c.28497AGA[2], p.Glu9503del (NM_001256850.1); c.25716AGA[2], p.Glu8576del (NM_133378.4); c.13282+32752AGA[2] (NM_003319.4); c.13858+32752AGA[2] (NM_133437.4); and 1 more; short protein forms E9820del, E8576del, E9503del.
Identifiers: ClinVar variation 46821 (VCV000046821.15), dbSNP rs377232641, ClinGen allele CA139283.

ClinVar aggregate classification (germline): Conflicting classifications of pathogenicity. Review status: criteria provided, conflicting classifications (1 of 4 stars). 5 submissions from 5 submitters: Uncertain significance (4); Likely benign (1). Last evaluated 2026-08-06.

Conditions:
TTN-related disorder. Also called: TTN-related disorders; TTN-related condition; TTN-related disease.
Tibial muscular dystrophy (TMD). Also called: Udd Distal Myopathy – Tibial Muscular Dystrophy; UDD MYOPATHY; Tibial muscular dystrophy, tardive. Identifiers: Orphanet 609, MedGen C1838244, MONDO:0010870, OMIM 600334.

Submissions (5):

OLLIN Analises Genomicas, OLLIN
Classification: Uncertain significance for Tibial muscular dystrophy. Last evaluated: 2026-08-06. Review status: criteria provided, single submitter. Criteria: ACMG Guidelines 2015 PMID 25741868. Collection method: clinical testing. Allele origin: germline. Inheritance: Autosomal dominant inheritance.
Comment: This in-frame deletion, located in exon 103 (of 363), has been reported in ClinVar (accession VCV000046821.14) and in gnomAD with an allele frequency of 0.0019%. However, to our knowledge, it has not been reported in the scientific literature. This variant removes 1 amino acid, preserving the reading frame and leading to a reduced protein length. According to the currently available evidence, this variant has been classified as uncertain significance (PM4).

PreventionGenetics, part of Exact Sciences
Classification: Uncertain significance for TTN-related condition. Last evaluated: 2026-06-02. Review status: criteria provided, single submitter. Criteria: ACMG Guidelines, 2015. Collection method: clinical testing. Allele origin: germline.
Comment: The TTN c.29454_29456delAGA variant is predicted to result in an in-frame deletion (p.Glu9820del). To our knowledge, this variant has not been reported in the literature. This variant is reported in 0.021% of alleles in individuals of African descent in gnomAD. At this time, the clinical significance of this variant is uncertain due to the absence of conclusive functional and genetic evidence.

GeneDx
Classification: Likely benign. Last evaluated: 2020-03-27. Review status: criteria provided, single submitter. Criteria: GeneDx Variant Classification Process June 2021. Collection method: clinical testing. Allele origin: germline. Affected: yes.
Comment: This variant is associated with the following publications: (PMID: 22763267, 23956225)

Mayo Clinic Laboratories, Mayo Clinic
Classification: Uncertain significance. Last evaluated: 2019-07-07. Review status: criteria provided, single submitter. Criteria: ACMG Guidelines, 2015. Collection method: clinical testing. Allele origin: germline. Observed: 1 variant allele.

Laboratory for Molecular Medicine, Mass General Brigham Personalized Medicine
Classification: Uncertain significance. Last evaluated: 2012-07-26. Review status: criteria provided, single submitter. Criteria: LMM Criteria. Collection method: clinical testing. Allele origin: germline. Observed: 2 variant alleles.
Comment: The Glu8576del variant in TTN has not been reported in the literature nor previo usly identified by our laboratory. This variant causes an in frame deletion of t he amino acid glutamic acid (Glu) at position 8576. The impact this variant has on the protein is unknown. Additional studies are needed to fully assess its c linical significance.